The following is an entry in ClinVar:

NM_001040616.3(LINS1):c.1568A>G (p.Tyr523Cys)

Gene: LINS1 (lines homolog 1; minus strand). Cytogenetic location: 15q26.3.
Variant type: single nucleotide variant.
Coding change: c.1568A>G on transcript NM_001040616.3 (MANE Select); coding-DNA position 1568, A replaced by G.
Protein change: p.Tyr523Cys; replaces tyrosine 523 with cysteine.
Molecular consequence: missense variant. On other transcripts: non-coding transcript variant (3).
Genome position (GRCh38, 1-based): chr15:100,569,944, T>C on the plus strand (A>G on the coding strand, the complement: LINS1 is on the minus strand). VCF-style: chr15-100569944-T-C. GRCh37 (hg19) VCF-style: chr15-101110149-T-C.
Other names: c.821A>G, p.Tyr274Cys (NM_001352507.2); c.1415A>G, p.Tyr472Cys (NM_001352508.2); short protein forms Y274C, Y472C, Y523C.
Identifiers: ClinVar variation 1799592 (VCV001799592.2), dbSNP rs147181433, ClinGen allele CA275576154.
Genomic context (GRCh38, chr15:100,569,944, plus strand): 5'-TTGCAAATGGTGAAAAAATTATCCCAGTCCTTTTGCAGTAATTTTAAATATCTAACAAAA[T>C]ATTCAAGAAAACAGGTTTCTGATGAAATCAAAAAGTCAAGAAGAACTGTGGAATCAAATC-3'
Protein context (NP_001035706.2, residues 513-533): LISSETCFLE[Tyr523Cys]FVRYLKLLQK

ClinVar aggregate classification (germline): Uncertain significance (1 of 4 stars; one submission).

Conditions:
Inborn genetic diseases. Identifiers: MedGen C0950123, MeSH D030342.

Allele frequency attached by ClinVar (database versions not stated): gnomAD exomes below 0.00001; TOPMed 0.00001; ESP Exome Variant Server 0.00015.
gnomAD v4.1: 2 of 1,591,410 alleles (0.00013%); highest among the groups gnomAD compares: Non-Finnish European, 0.000086%; no homozygotes.

Submission:

Ambry Genetics
Classification: Uncertain significance for Inborn genetic diseases. Last evaluated: 2018-01-26. Review status: criteria provided, single submitter. Criteria: Ambry Variant Classification Scheme 2023. Collection method: clinical testing. Allele origin: germline.
Comment: The p.Y523C variant (also known as c.1568A>G), located in coding exon 6 of the LINS gene, results from an A to G substitution at nucleotide position 1568. The tyrosine at codon 523 is replaced by cysteine, an amino acid with highly dissimilar properties. This amino acid position is highly conserved in available vertebrate species. In addition, this alteration is predicted to be deleterious by in silico analysis. Since supporting evidence is limited at this time, the clinical significance of this alteration remains unclear.